The following is an entry in ClinVar:

NM_001165963.4(SCN1A):c.5525C>T (p.Pro1842Leu)

Genes: SCN1A (sodium voltage-gated channel alpha subunit 1; minus strand), LOC102724058 (uncharacterized LOC102724058; plus strand). Cytogenetic location: 2q24.3.
Variant type: single nucleotide variant.
Coding change: c.5525C>T on transcript NM_001165963.4 (MANE Select); coding-DNA position 5525, C replaced by T.
Protein change: p.Pro1842Leu; replaces proline 1842 with leucine.
Molecular consequence: missense variant. On other transcripts: non-coding transcript variant (1).
Genome position (GRCh38, 1-based): chr2:165,991,750, G>A on the plus strand (C>T on the coding strand, the complement: SCN1A is on the minus strand). VCF-style: chr2-165991750-G-A. GRCh37 (hg19) VCF-style: chr2-166848260-G-A.
Other names: c.5441C>T, p.Pro1814Leu (NM_001165964.3, NM_001353957.2, NM_001353958.2); c.5525C>T, p.Pro1842Leu (NM_001202435.3, NM_001353948.2); c.5492C>T, p.Pro1831Leu (NM_001353949.2, NM_001353950.2, NM_001353951.2 and 2 more transcripts); c.5489C>T, p.Pro1830Leu (NM_001353954.2, NM_001353955.2); c.5438C>T, p.Pro1813Leu (NM_001353960.2); c.3083C>T, p.Pro1028Leu (NM_001353961.2); short protein forms P1028L, P1813L, P1814L, P1830L, P1831L, P1842L.
Identifiers: ClinVar variation 2443596 (VCV002443596.1), dbSNP rs2468330386, ClinGen allele CA349065614.
Genomic context (GRCh38, chr2:165,991,750, plus strand): 5'-ATCCGGTCACCACTCACCATGGGCAAATCCATGGCAATGAGCTGGAGTTTGTTTGGTTGT[G>A]GCAGATTGAGAGGCGGTTCAAGCGCAGCTGCAAACTGAGATAATTTTTCAAATTCCATGA-3'
Protein context (NP_001159435.1, residues 1832-1852): AAALEPPLNL[Pro1842Leu]QPNKLQLIAM

ClinVar aggregate classification (germline): Uncertain significance (1 of 4 stars; one submission).

Allele frequency attached by ClinVar (database versions not stated): gnomAD exomes below 0.00001.
gnomAD v4.1: 1 of 1,613,900 alleles (0.000062%); highest among the groups gnomAD compares: Non-Finnish European, 0.000085%; no homozygotes.

Submission:

GeneDx
Classification: Uncertain significance. Last evaluated: 2023-03-09. Review status: criteria provided, single submitter. Criteria: GeneDx Variant Classification Process June 2021. Collection method: clinical testing. Allele origin: germline. Affected: yes.
Comment: Not observed at significant frequency in large population cohorts (gnomAD); Missense variants in this gene are often considered pathogenic (HGMD); In silico analysis supports that this missense variant has a deleterious effect on protein structure/function; Has not been previously published as pathogenic or benign to our knowledge